The following continues an entry in ClinVar:

NM_001099287.2(NIPAL4):c.341C>A (p.Ala114Asp)

Gene: NIPAL4. ClinVar aggregate classification (germline): Pathogenic/Likely pathogenic. Pathogenic (21); Likely pathogenic (2).

Submissions 13 to 29 of 29:

Neuberg Centre For Genomic Medicine, NCGM
Classification: Pathogenic for Autosomal recessive congenital ichthyosis 6. Last evaluated: 2023-05-20. Review status: criteria provided, single submitter. Criteria: ACMG Guidelines, 2015. Collection method: clinical testing. Allele origin: germline. Inheritance: Autosomal recessive inheritance. Affected: yes.
Comment: The observed missense c.341C>A(p.Ala114Asp) variant in NIPAL4 gene has been reported previously in homozygous and compound heterozygous states in multiple individuals affected with congenital ichthyosis (Sitek JC, et al., 2018; Diociaiuti A, et al., 2016; Wajid M, et al., 2010). This variant has been observed to segregate with disease in related individuals. The p.Ala114Asp variant has been reported with allele frequency of 0.07% in gnomAD Exomes. This variant has been reported to the ClinVar database as Likely Pathogenic / Pathogenic (multiple submissions). Computational evidences (Polyphen - Possibly damaging, SIFT - Tolerated and MutationTaster - Disease causing) predicts conflicting evidence on protein structure and function for this variant. The amino acid change p.Ala114Asp in NIPAL4 is predicted as conserved by GERP++ and PhyloP across 100 vertebrates. The amino acid Ala at position 114 is changed to a Asp changing protein sequence and it might alter its composition and physico-chemical properties. For these reasons, this variant has been classified as Pathogenic.

Women's Health and Genetics/Laboratory Corporation of America, LabCorp
Classification: Pathogenic for Lamellar ichthyosis. Last evaluated: 2023-04-11. Review status: criteria provided, single submitter. Criteria: LabCorp Variant Classification Summary - May 2015. Collection method: clinical testing. Allele origin: germline.
Comment: Variant summary: NIPAL4 c.341C>A (p.Ala114Asp) results in a non-conservative amino acid change in the encoded protein sequence. Five of five in-silico tools predict a damaging effect of the variant on protein function. The variant allele was found at a frequency of 0.00065 in 245384 control chromosomes. This frequency is not significantly higher than estimated for a pathogenic variant in NIPAL4 causing Lamellar Ichthyosis (0.00065 vs 0.001), allowing no conclusion about variant significance. c.341C>A has been reported in the literature in multiple individuals affected with Lamellar Ichthyosis, including several homozygotic individuals (examples: Lefevre_2004, Dahlqvist_2007). These data indicate that the variant is very likely to be associated with disease. To our knowledge, no experimental evidence demonstrating an impact on protein function has been reported. Nine clinical diagnostic laboratories have submitted clinical-significance assessments for this variant to ClinVar after 2014 without evidence for independent evaluation. All laboratories classified the variant as pathogenic/likely pathogenic. Based on the evidence outlined above, the variant was classified as pathogenic.

Department of Pathology and Laboratory Medicine, Sinai Health System
Classification: Pathogenic for Autosomal recessive congenital ichthyosis 6. Last evaluated: 2023-02-06. Review status: criteria provided, single submitter. Criteria: ACMG Guidelines, 2015. Collection method: research. Allele origin: germline.

Revvity Omics, Revvity
Classification: Pathogenic for Autosomal recessive congenital ichthyosis 6. Last evaluated: 2022-05-13. Review status: criteria provided, single submitter. Criteria: ACMG Guidelines, 2015. Collection method: clinical testing. Allele origin: germline.

Foundation for Research in Genetics and Endocrinology, FRIGE's Institute of Human Genetics
Classification: Pathogenic for Autosomal recessive congenital ichthyosis 6. Last evaluated: 2022-04-07. Review status: criteria provided, single submitter. Criteria: ACMG Guidelines, 2015. Collection method: clinical testing. Allele origin: germline. Inheritance: Autosomal recessive inheritance. Affected: yes. Observed: 1 homozygote.
Comment: A homozygous missense variant in exon 4 of the NIPAL4 gene that results in the amino acid substitution of Aspartate for Alanine at codon 114 was detected. The observed variant c.341C>A (p.Ala114Asp) has a MAF of 0.05% and 0.07% in the 1000 genomes and gnomAD databases. The in silico prediction of the variant are possibly damaging by PolyPhen-2 (HumDiv) and damaging by LRT and MutationTaster2. The reference codon is conserved across mammals. In summary, the variant meets our criteria to be classified as pathogenic.

Victorian Clinical Genetics Services, Murdoch Childrens Research Institute
Classification: Pathogenic for Autosomal recessive congenital ichthyosis 6. Last evaluated: 2020-05-26. Review status: criteria provided, single submitter. Criteria: ACMG Guidelines, 2015. Collection method: clinical testing. Allele origin: germline. Inheritance: Autosomal recessive inheritance. Affected: yes.
Comment: Based on the classification scheme VCGS_Germline_v1.1.1, this variant is classified as Pathogenic. Following criteria are met: 0102 - Loss-of-function is a known mechanism of disease for this gene. (N) 0106 - This gene is known to be associated with autosomal recessive disease. (N) 0200 - Variant is predicted to result in a missense amino acid change from alanine to aspartic acid (exon 4). (N) 0252 - Variant is homozygous. (N) 0304 - Variant is present in gnomAD <0.01 for a recessive condition (184 heterozygotes, 0 homozygotes). (P) 0309 - An alternative amino acid change at the same position has been observed in gnomAD (517 heterozygotes, 0 homozygotes). (N) 0501 - Missense variant consistently predicted to be damaging by multiple in silico tools or highly conserved with a major amino acid change. (P) 0600 - Variant is located in an annotated domain or motif (magnesium transporter NIPA domain (PDB, Decipher). (N) 0801 - Strong previous evidence of pathogenicity in unrelated individuals. This variant has been previously reported as one of the most common pathogenic variants in patients with ichthyosis (ClinVar, PMID: 17557927, PMID: 31046801). (P) 1208 - Inheritance information for this variant is not currently available. (N) Legend: (P) - Pathogenic, (N) - Neutral, (B) - Benign

GeneDx
Classification: Pathogenic. Last evaluated: 2020-03-16. Review status: criteria provided, single submitter. Criteria: GeneDx Variant Classification Process June 2021. Collection method: clinical testing. Allele origin: germline. Affected: yes.
Comment: The majority of individuals homozygous for this variant present with a collodion membrane at birth and develop generalized ichthyosis with erythema and palmoplantar keratoderma, although a lamellar ichthyosis-like phenotype has also been observed (Lefevre et al., 2004); In silico analysis, which includes protein predictors and evolutionary conservation, supports a deleterious effect; This variant is associated with the following publications: (PMID: 25458912, 24397709, 29453417, 31168818, 25525159, 17557927, 20016120, 22622417, 15317751, 22258272, 27025581, 29444371, 26762237, 25326635, 31532840)

Cambridge Genomics Laboratory, East Genomic Laboratory Hub, NHS Genomic Medicine Service
Classification: Pathogenic for Autosomal recessive congenital ichthyosis. Last evaluated: 2020-01-21. Review status: criteria provided, single submitter. Criteria: ACGS Best Practice Guidelines for Variant Classification in Rare Disease 2020. Collection method: clinical testing. Allele origin: germline. Affected: yes. Observed: 1 variant allele.

Baylor Genetics
Classification: Pathogenic for Autosomal recessive congenital ichthyosis 6. Last evaluated: 2017-09-01. Review status: criteria provided, single submitter. Criteria: ACMG Guidelines, 2015. Collection method: clinical testing. Allele origin: germline. Inheritance: Autosomal recessive inheritance. Affected: yes.
Comment: Heterozygotes are expected to be asymptomatic carriers.

Illumina Laboratory Services, Illumina
Classification: Pathogenic for Autosomal recessive congenital ichthyosis 6. Last evaluated: 2017-08-31. Review status: criteria provided, single submitter. Criteria: ICSL Variant Classification Criteria 09 May 2019. Collection method: clinical testing. Allele origin: germline.
Comment: The NIPAL4 c.527C>A (p.Ala176Asp) missense variant has been described as one of the two most common pathogenic variants for congenital ichthyosis, together accounting for up to 90% of disease alleles (Richard et al. 2014). Across a selection of the available literature, the p.Ala176Asp variant has been identified in a homozygous state in 45 patients and in a compound heterozygous state in eight patients (Lefevre et al. 2004; Dahlqvist et al. 2007; Wajid et al. 2010; Li et al. 2012; Palamar et al. 2015; Kiritsi et al. 2015; Diociaiuti et al. 2016). Up to 60% of individuals were born as collodion babies and most had clinical phenotypes consistent with lamellar ichthyosis or nonbullous congenital ichthyosiform erythroderma. The p.Ala176Asp variant was absent from 300 control chromosomes but is reported at a frequency of 0.0019 in the European American population of the Exome Sequencing Project. Epidermal expression of the ichthyin protein in skin biopsies from healthy individuals showed the enzyme predominantly expressed in the upper epidermis, while expression in individuals homozygous for the p.Ala176Asp variant showed protein in the cell periphery and cytoplasm (Li et al. 2012). Based on the evidence p.Ala176Asp variant is classified as pathogenic for congenital ichthyosis. This variant was observed by ICSL as part of a predisposition screen in an ostensibly healthy population.

Eurofins Ntd Llc (ga)
Classification: Pathogenic. Last evaluated: 2016-06-17. Review status: criteria provided, single submitter. Criteria: EGL Classification Definitions 2015. Collection method: clinical testing. Allele origin: germline. Observed: 1 variant allele, 1 homozygote.

Institute for Human Genetics, University Medical Center Freiburg
Classification: Pathogenic for Autosomal recessive congenital ichthyosis 6. Last evaluated: 2019-05-16. Review status: no assertion criteria provided. Collection method: clinical testing. Allele origin: germline. Affected: yes. Not counted in ClinVar's aggregate classification.

OMIM
Classification: Pathogenic for ICHTHYOSIS, CONGENITAL, AUTOSOMAL RECESSIVE 6. Last evaluated: 2007-10-01. Review status: no assertion criteria provided. Collection method: literature only. Allele origin: germline. Not counted in ClinVar's aggregate classification.

Clinical Genetics DNA and cytogenetics Diagnostics Lab, Erasmus MC, Erasmus Medical Center
Classification: Likely pathogenic. Review status: no assertion criteria provided. Collection method: clinical testing. Allele origin: germline. Affected: yes. Study: VKGL Data-share Consensus. Not counted in ClinVar's aggregate classification.

GeneReviews
No classification provided. Condition: Autosomal recessive congenital ichthyosis. Review status: no classification provided. Collection method: literature only. Allele origin: germline. Not counted in ClinVar's aggregate classification.

Genomics England Pilot Project, Genomics England
Classification: Pathogenic for Autosomal recessive congenital ichthyosis 6. Review status: no assertion criteria provided. Criteria: ACGS Guidelines, 2016. Collection method: clinical testing. Allele origin: germline. Affected: yes. Not counted in ClinVar's aggregate classification.

Joint Genome Diagnostic Labs from Nijmegen and Maastricht, Radboudumc and MUMC+
Classification: Likely pathogenic. Review status: no assertion criteria provided. Collection method: clinical testing. Allele origin: germline. Affected: yes. Study: VKGL Data-share Consensus. Not counted in ClinVar's aggregate classification.

Literature cited by the submitters: PubMed 15317751 (cited by 9 submitters); PubMed 17557927 (cited by 8 submitters); PubMed 20016120 (cited by 7 submitters); PubMed 25458912 (cited by 3 submitters); PubMed 26762237 (cited by Labcorp Genetics (formerly Invitae), Labcorp and Illumina Laboratory Services, Illumina); PubMed 29444371 (cited by 3 submitters); PubMed 29453417 (cited by Labcorp Genetics (formerly Invitae), Labcorp); PubMed 31046801 (cited by 4 submitters); PubMed 31168818 (cited by Labcorp Genetics (formerly Invitae), Labcorp and 3billion); PubMed 31532840 (cited by Labcorp Genetics (formerly Invitae), Labcorp); PubMed 34908195 (cited by Labcorp Genetics (formerly Invitae), Labcorp); PubMed 35412663 (cited by Labcorp Genetics (formerly Invitae), Labcorp); PubMed 35734965 (cited by Labcorp Genetics (formerly Invitae), Labcorp); PubMed 40428344 (cited by Dasa); PubMed 39501396 (cited by Dasa); PubMed 22622417 (cited by 3billion and Illumina Laboratory Services, Illumina); PubMed 24397709 (cited by 3billion and Illumina Laboratory Services, Illumina); PubMed 25326635 (cited by Baylor Genetics); PubMed 20301593 (cited by Illumina Laboratory Services, Illumina); PubMed 19434086 (cited by GeneReviews).